The following is an entry in ClinVar:

NM_000202.8(IDS):c.454_460del (p.Ser152fs)

Genes: IDS (iduronate 2-sulfatase; minus strand), LOC106050102 (IDS recombination region; plus strand). Cytogenetic location: Xq28.
Variant type: Deletion.
Coding change: c.454_460del on transcript NM_000202.8 (MANE Select); coding-DNA positions 454 to 460, 7 bases deleted (AGCTGGT; older notation c.454_460delAGCTGGT).
Protein change: p.Ser152fs; shifts the reading frame from serine 152.
Molecular consequence: frameshift variant. On other transcripts: non-coding transcript variant (1).
Genome position (GRCh38, 1-based): chrX:149,500,996-149,501,002, ACCAGCT deleted on the plus strand (AGCTGGT on the coding strand, the reverse complement: IDS is on the minus strand); deleting any 7 consecutive bases within chrX:149,500,996-149,501,003 gives the same sequence; the c. name uses the placement nearest the transcript's 3' end. VCF-style (leftmost placement, unchanged base first): chrX-149500995-GACCAGCT-G. GRCh37 (hg19) VCF-style: chrX-148582526-GACCAGCT-G.
Other names: c.184_190del, p.Ser62fs (NM_001166550.4); c.454_460del, p.Ser152fs (NM_006123.5); short protein forms S152fs, S62fs.
Identifiers: ClinVar variation 3255737 (VCV003255737.2).

ClinVar aggregate classification (germline): Pathogenic (1 of 4 stars; one submission).

Conditions:
Mucopolysaccharidosis, MPS-II (MPS2). Also called: Hunter Syndrome; IDURONATE 2-SULFATASE DEFICIENCY; Mucopolysaccharidosis Type II; Mucopolysaccharidosis type 2; Attenuated MPS (subtype; formerly known as mild MPS II); Severe MPS II. Identifiers: Orphanet 580, Orphanet 79388, MedGen C0026705, MONDO:0010674, OMIM 309900.

Submission:

Laboratory of Diagnosis and Therapy of Lysosomal Disorders, University of Padova
Classification: Pathogenic for Mucopolysaccharidosis, MPS-II. Last evaluated: 2024-06-07. Review status: criteria provided, single submitter. Criteria: ACMG Guidelines, 2015. Collection method: literature only. Allele origin: germline. Affected: yes. Observed: 1 variant allele.
Comment: Null variant (PVS1_VeryStrong), Absent from controls (or at low frequency) in gnomAD database (PM2_Moderate), Patient’s phenotype or family history highly specific for the disease (PP4_Strong)

Classification method: ACMG Guidelines [PMID:25741868] with modifications

Literature cited by the submitters: PubMed 9501270.